The following is an entry in ClinVar:

NM_006158.5(NEFL):c.1065A>T (p.Glu355Asp)

Genes: NEFL (neurofilament light chain; minus strand), LOC126860330 (BRD4-independent group 4 enhancer GRCh37_chr8:24811677-24812876; plus strand). Cytogenetic location: 8p21.2.
Variant type: single nucleotide variant.
Coding change: c.1065A>T on transcript NM_006158.5 (MANE Select); coding-DNA position 1065, A replaced by T.
Protein change: p.Glu355Asp; replaces glutamic acid 355 with aspartic acid.
Molecular consequence: missense variant.
Genome position (GRCh38, 1-based): chr8:24,954,285, T>A on the plus strand (A>T on the coding strand, the complement: NEFL is on the minus strand). VCF-style: chr8-24954285-T-A. GRCh37 (hg19) VCF-style: chr8-24811799-T-A.
Other names: short protein forms E355D.
Identifiers: ClinVar variation 2999149 (VCV002999149.3), dbSNP rs1215122374, ClinGen allele CA370621000.

ClinVar aggregate classification (germline): Uncertain significance (1 of 4 stars; one submission).

Conditions:
Charcot-Marie-Tooth disease type 2E (CMT2E). Also called: CHARCOT-MARIE-TOOTH DISEASE, AXONAL, TYPE 2E; CHARCOT-MARIE-TOOTH NEUROPATHY, TYPE 2E. Identifiers: Orphanet 99939, MedGen C1843225, MONDO:0011894, OMIM 607684.

Allele frequency attached by ClinVar (database versions not stated): gnomAD exomes below 0.00001.
gnomAD v4.1: 1 of 1,613,690 alleles (0.000062%); highest among the groups gnomAD compares: Non-Finnish European, 0.000085%; no homozygotes.

Submission:

Labcorp Genetics (formerly Invitae), Labcorp
Classification: Uncertain significance for Charcot-Marie-Tooth disease type 2E. Last evaluated: 2023-12-23. Review status: criteria provided, single submitter. Criteria: Invitae Variant Classification Sherloc (09022015). Collection method: clinical testing. Allele origin: germline.
Comment: This sequence change replaces glutamic acid, which is acidic and polar, with aspartic acid, which is acidic and polar, at codon 355 of the NEFL protein (p.Glu355Asp). This variant is present in population databases (no rsID available, gnomAD 0.0009%). This variant has not been reported in the literature in individuals affected with NEFL-related conditions. Advanced modeling of protein sequence and biophysical properties (such as structural, functional, and spatial information, amino acid conservation, physicochemical variation, residue mobility, and thermodynamic stability) performed at Invitae indicates that this missense variant is not expected to disrupt NEFL protein function with a negative predictive value of 80%. In summary, the available evidence is currently insufficient to determine the role of this variant in disease. Therefore, it has been classified as a Variant of Uncertain Significance.